The following is an entry in ClinVar:

NM_001042646.3(TRAK1):c.2379C>T (p.Ser793=)

Gene: TRAK1 (trafficking kinesin protein 1; plus strand). Cytogenetic location: 3p22.1.
Variant type: single nucleotide variant.
Coding change: c.2379C>T on transcript NM_001042646.3 (MANE Select); coding-DNA position 2379, C replaced by T.
Protein change: p.Ser793=; no amino-acid change (serine 793 retained).
Molecular consequence: synonymous variant. On other transcripts: 3 prime UTR variant (1), non-coding transcript variant (1).
Genome position (GRCh38, 1-based): chr3:42,223,254, C>T. VCF-style: chr3-42223254-C-T. GRCh37 (hg19) VCF-style: chr3-42264746-C-T.
Other names: c.2004C>T, p.Ser668= (NM_001349245.1); c.2316C>T, p.Ser772= (NM_001349246.2); c.*333C>T (NM_001349247.2); c.2094C>T, p.Ser698= (NM_001349248.1); c.2157C>T, p.Ser719= (NM_001349249.1); c.2205C>T, p.Ser735= (NM_001410741.1).
Identifiers: ClinVar variation 4873810 (VCV004873810.2).

ClinVar aggregate classification (germline): Likely benign (1 of 4 stars; one submission).

Submission:

CeGaT Center for Human Genetics Tuebingen
Classification: Likely benign. Last evaluated: 2026-06-01. Review status: criteria provided, single submitter. Criteria: CeGaT Center For Human Genetics Tuebingen Variant Classification Criteria Version 2. Collection method: clinical testing. Allele origin: germline. Affected: yes. Observed: 1 variant allele.
Comment: TRAK1: PM2:Supporting, BP4, BP7